The following is an entry in ClinVar:

ClinVar aggregate classification (germline): Uncertain significance (1 of 4 stars; one submission).

Allele frequency attached by ClinVar (database versions not stated): gnomAD exomes below 0.00001.
gnomAD v4.1: 3 of 1,535,716 alleles (0.0002%); highest among the groups gnomAD compares: Non-Finnish European, 0.00017%; no homozygotes.

Submission:

GeneDx
Classification: Uncertain significance. Last evaluated: 2022-11-25. Review status: criteria provided, single submitter. Criteria: GeneDx Variant Classification Process June 2021. Collection method: clinical testing. Allele origin: germline. Affected: yes.
Comment: Not observed at significant frequency in large population cohorts (gnomAD); In silico analysis supports that this missense variant has a deleterious effect on protein structure/function; Has not been previously published as pathogenic or benign to our knowledge

NM_001394372.1(BICRA):c.1244C>G (p.Pro415Arg)

Gene: BICRA (BRD4 interacting chromatin remodeling complex associated protein; plus strand). Cytogenetic location: 19q13.33.
Variant type: single nucleotide variant.
Coding change: c.1244C>G on transcript NM_001394372.1 (MANE Select); coding-DNA position 1244, C replaced by G.
Protein change: p.Pro415Arg; replaces proline 415 with arginine.
Molecular consequence: missense variant.
Genome position (GRCh38, 1-based): chr19:47,680,414, C>G. VCF-style: chr19-47680414-C-G. GRCh37 (hg19) VCF-style: chr19-48183671-C-G.
Other names: c.1244C>G, p.Pro415Arg (NM_015711.3); short protein forms P415R.
Identifiers: ClinVar variation 2503233 (VCV002503233.1), dbSNP rs1264388301, ClinGen allele CA406612378.